The following is an entry in ClinVar:

NM_020533.3(MCOLN1):c.1151A>G (p.Asp384Gly)

Gene: MCOLN1 (mucolipin TRP cation channel 1; plus strand). Cytogenetic location: 19p13.2.
Variant type: single nucleotide variant.
Coding change: c.1151A>G on transcript NM_020533.3 (MANE Select); coding-DNA position 1151, A replaced by G.
Protein change: p.Asp384Gly; replaces aspartic acid 384 with glycine.
Molecular consequence: missense variant.
Genome position (GRCh38, 1-based): chr19:7,529,117, A>G. VCF-style: chr19-7529117-A-G. GRCh37 (hg19) VCF-style: chr19-7594003-A-G.
Other names: short protein forms D384G.
Identifiers: ClinVar variation 3619294 (VCV003619294.2).

ClinVar aggregate classification (germline): Uncertain significance (1 of 4 stars; one submission).

Conditions:
Mucolipidosis type IV (ML4). Also called: ML IV. Identifiers: Orphanet 578, MedGen C0238286, MONDO:0009653, OMIM 252650.

gnomAD v4.1: 2 of 1,613,860 alleles (0.00012%); highest among the groups gnomAD compares: Non-Finnish European, 0.00017%; no homozygotes.

Submission:

Labcorp Genetics (formerly Invitae), Labcorp
Classification: Uncertain significance for Mucolipidosis type IV. Last evaluated: 2025-01-08. Review status: criteria provided, single submitter. Criteria: Invitae Variant Classification Sherloc (09022015). Collection method: clinical testing. Allele origin: germline.
Comment: This sequence change replaces aspartic acid, which is acidic and polar, with glycine, which is neutral and non-polar, at codon 384 of the MCOLN1 protein (p.Asp384Gly). This variant is present in population databases (no rsID available, gnomAD 0.0009%). This variant has not been reported in the literature in individuals affected with MCOLN1-related conditions. Invitae Evidence Modeling of protein sequence and biophysical properties (such as structural, functional, and spatial information, amino acid conservation, physicochemical variation, residue mobility, and thermodynamic stability) has been performed for this missense variant. However, the output from this modeling did not meet the statistical confidence thresholds required to predict the impact of this variant on MCOLN1 protein function. In summary, the available evidence is currently insufficient to determine the role of this variant in disease. Therefore, it has been classified as a Variant of Uncertain Significance.